The following is an entry in ClinVar:

NM_015158.5(KANK1):c.3445G>T (p.Asp1149Tyr)

Genes: KANK1 (KN motif and ankyrin repeat domains 1; plus strand), LOC126860554 (MED14-independent group 3 enhancer GRCh37_chr9:737889-739088; plus strand). Cytogenetic location: 9p24.3.
Variant type: single nucleotide variant.
Coding change: c.3445G>T on transcript NM_015158.5 (MANE Select); coding-DNA position 3445, G replaced by T.
Protein change: p.Asp1149Tyr; replaces aspartic acid 1149 with tyrosine.
Molecular consequence: missense variant. On other transcripts: non-coding transcript variant (1).
Genome position (GRCh38, 1-based): chr9:738,396, G>T. VCF-style: chr9-738396-G-T. GRCh37 (hg19) VCF-style: chr9-738396-G-T.
Other names: c.3445G>T, p.Asp1149Tyr (NM_001256876.3, NM_001256877.3, NM_001354334.2 and 1 more transcripts); c.3205G>T, p.Asp1069Tyr (NM_001354331.2); c.3391G>T, p.Asp1131Tyr (NM_001354332.2); c.2971G>T, p.Asp991Tyr (NM_001354333.2, NM_001354335.2, NM_001354337.2 and 2 more transcripts); c.2677G>T, p.Asp893Tyr (NM_001354336.2, NM_001438411.1); c.2917G>T, p.Asp973Tyr (NM_001354338.2, NM_001354340.2, NM_001354344.2); c.2731G>T, p.Asp911Tyr (NM_001354339.2, NM_001354342.2, NM_001354343.2); short protein forms D1069Y, D1131Y, D893Y, D911Y, D1149Y, D973Y, D991Y.
Identifiers: ClinVar variation 4776207 (VCV004776207.1).

ClinVar aggregate classification (germline): Uncertain significance (1 of 4 stars; one submission).

gnomAD v4.1: 61 of 1,614,028 alleles (0.0038%); highest among the groups gnomAD compares: South Asian, 0.067%; no homozygotes.

Submission:

Labcorp Genetics (formerly Invitae), Labcorp
Classification: Uncertain significance. Last evaluated: 2025-12-19. Review status: criteria provided, single submitter. Criteria: Invitae Variant Classification Sherloc (09022015). Collection method: clinical testing. Allele origin: germline.
Comment: This sequence change replaces aspartic acid, which is acidic and polar, with tyrosine, which is neutral and polar, at codon 1149 of the KANK1 protein (p.Asp1149Tyr). This variant is present in population databases (rs551729799, gnomAD 0.05%). This variant has not been reported in the literature in individuals affected with KANK1-related conditions. Invitae Evidence Modeling of protein sequence and biophysical properties (such as structural, functional, and spatial information, amino acid conservation, physicochemical variation, residue mobility, and thermodynamic stability) has been performed for this missense variant. However, the output from this modeling did not meet the statistical confidence thresholds required to predict the impact of this variant on KANK1 protein function. In summary, the available evidence is currently insufficient to determine the role of this variant in disease. Therefore, it has been classified as a Variant of Uncertain Significance.